The following is an entry in ClinVar:

NM_006016.6(CD164):c.-3A>G

Gene: CD164 (CD164 molecule; minus strand). Cytogenetic location: 6q21.
Variant type: single nucleotide variant.
Coding change: c.-3A>G on transcript NM_006016.6 (MANE Select); 3 bases upstream of the start codon, A replaced by G.
Molecular consequence: 5 prime UTR variant.
Genome position (GRCh38, 1-based): chr6:109,382,381, T>C on the plus strand (A>G on the coding strand, the complement: CD164 is on the minus strand). VCF-style: chr6-109382381-T-C. GRCh37 (hg19) VCF-style: chr6-109703584-T-C.
Other names: c.-3A>G (NM_006016.5, NM_001142401.3, NM_001142402.3 and 2 more transcripts).
Identifiers: ClinVar variation 1318061 (VCV001318061.3), dbSNP rs376141842, ClinGen allele CA3951736.
Genomic context (GRCh38, chr6:109,382,381, plus strand): 5'-CGCAGAGCACGCCCAGGCAGGTGGCGGCCCAAAGCAGTGAGCGGGAGAGCCGCGACATCG[T>C]GTCCTCAGCGCTGGCGTTCGGGAGAAAGCTAAGGCTCGCAACGCTCAGTCAACCCCTCAA-3'

ClinVar aggregate classification (germline): Likely benign. Review status: criteria provided, multiple submitters, no conflicts (2 of 4 stars). 2 submissions from 2 submitters: Likely benign (2). Last evaluated 2025-01-07.

Conditions:
CD164-related disorder. Also called: CD164-related condition.

Allele frequency attached by ClinVar (database versions not stated): gnomAD exomes 0.00003 and 0.00008; gnomAD 0.00005; TOPMed 0.00006; ESP Exome Variant Server 0.00008.
gnomAD v4.1: 50 of 1,532,064 alleles (0.0033%); highest among the groups gnomAD compares: Admixed American, 0.028%; no homozygotes.

Submissions (2):

PreventionGenetics, part of Exact Sciences
Classification: Likely benign for CD164-related condition. Last evaluated: 2025-01-07. Review status: criteria provided, single submitter. Criteria: ACMG Guidelines, 2015. Collection method: clinical testing. Allele origin: germline.
Comment: This variant is classified as likely benign based on ACMG/AMP sequence variant interpretation guidelines (Richards et al. 2015 PMID: 25741868, with internal and published modifications).

GeneDx
Classification: Likely benign. Last evaluated: 2021-04-14. Review status: criteria provided, single submitter. Criteria: GeneDx Variant Classification Process June 2021. Collection method: clinical testing. Allele origin: germline. Affected: yes.